The following is an entry in ClinVar:

NM_000702.4(ATP1A2):c.133T>C (p.Ser45Pro)

Gene: ATP1A2 (ATPase Na+/K+ transporting subunit alpha 2; plus strand). Cytogenetic location: 1q23.2.
Variant type: single nucleotide variant.
Coding change: c.133T>C on transcript NM_000702.4 (MANE Select); coding-DNA position 133, T replaced by C.
Protein change: p.Ser45Pro; replaces serine 45 with proline.
Molecular consequence: missense variant.
Genome position (GRCh38, 1-based): chr1:160,121,207, T>C. VCF-style: chr1-160121207-T-C. GRCh37 (hg19) VCF-style: chr1-160090997-T-C.
Other names: short protein forms S45P.
Identifiers: ClinVar variation 5005023 (VCV005005023.2).

ClinVar aggregate classification (germline): Uncertain significance (1 of 4 stars; one submission).

Conditions:
Fetal akinesia, respiratory insufficiency, microcephaly, polymicrogyria, and dysmorphic facies. Identifiers: MedGen C5562015, MONDO:0859204, OMIM 619602.
Developmental and epileptic encephalopathy 98. Identifiers: MedGen C5562017, MONDO:0030472, OMIM 619605.
Alternating hemiplegia of childhood 1 (AHC1). Identifiers: Orphanet 2131, MedGen C3549447, MONDO:0007087, OMIM 104290.
Migraine, familial hemiplegic, 2. Identifiers: Orphanet 569, MedGen C1865322, MONDO:0011232, OMIM 602481.

Submission:

Juno Genomics, Hangzhou Juno Genomics, Inc
Classification: Uncertain significance for Alternating hemiplegia of childhood 1; Developmental and epileptic encephalopathy 98; Fetal akinesia, respiratory insufficiency, microcephaly, polymicrogyria, and dysmorphic facies; Migraine, familial hemiplegic, 2. Review status: criteria provided, single submitter. Criteria: ACMG Guidelines, 2015. Collection method: clinical testing. Allele origin: germline.
Comment: Absent from controls (or at extremely low frequency if recessive) in Genome Aggregation Database.;Missense variant in a gene that has a low rate of benign missense variation.